The following is an entry in ClinVar:

ClinVar aggregate classification (germline): Pathogenic/Likely pathogenic. Review status: criteria provided, multiple submitters, no conflicts (2 of 4 stars). 2 submissions from 2 submitters: Pathogenic (1); Likely pathogenic (1). Last evaluated 2025-01-15.

Conditions:
FBN1-related disorder. Also called: FBN1-related disorders.
Marfan syndrome (MFS). Also called: MARFAN SYNDROME, TYPE I; Marfan syndrome type 1; Marfan's syndrome; Marfan syndrome, classic; FBN1-Related Marfan Syndrome. Identifiers: Orphanet 284963, Orphanet 558, MedGen C0024796, MONDO:0007947, OMIM 154700.
Familial thoracic aortic aneurysm and aortic dissection (TAAD). Also called: Thoracic aortic aneurysms and dissections. Identifiers: Orphanet 91387, MedGen C4707243, MONDO:0019625.

Submissions (2):

Labcorp Genetics (formerly Invitae), Labcorp
Classification: Pathogenic for Marfan syndrome; Familial thoracic aortic aneurysm and aortic dissection. Last evaluated: 2025-01-15. Review status: criteria provided, single submitter. Criteria: Invitae Variant Classification Sherloc (09022015). Collection method: clinical testing. Allele origin: germline.
Comment: This sequence change affects an acceptor splice site in intron 54 of the FBN1 gene. It is expected to disrupt RNA splicing. Variants that disrupt the donor or acceptor splice site typically lead to a loss of protein function (PMID: 16199547), and loss-of-function variants in FBN1 are known to be pathogenic (PMID: 17657824, 19293843). This variant is not present in population databases (gnomAD no frequency). Disruption of this splice site has been observed in individuals with Marfan syndrome (PMID: 27906200; internal data). ClinVar contains an entry for this variant (Variation ID: 2941011). Algorithms developed to predict the effect of sequence changes on RNA splicing suggest that this variant may disrupt the consensus splice site. For these reasons, this variant has been classified as Pathogenic.

Blueprint Genetics
Classification: Likely pathogenic for FBN1-related disorders. Last evaluated: 2024-02-23. Review status: criteria provided, single submitter. Criteria: ACMG Guidelines, 2015. Collection method: clinical testing. Allele origin: germline. Affected: yes. Observed: 1 variant allele.

Literature cited by the submitters: PubMed 16199547 (cited by Labcorp Genetics (formerly Invitae), Labcorp); PubMed 17657824 (cited by Labcorp Genetics (formerly Invitae), Labcorp); PubMed 19293843 (cited by Labcorp Genetics (formerly Invitae), Labcorp); PubMed 27906200 (cited by Labcorp Genetics (formerly Invitae), Labcorp).

NM_000138.5(FBN1):c.6617-2A>G

Gene: FBN1 (fibrillin 1; minus strand). Cytogenetic location: 15q21.1.
Variant type: single nucleotide variant.
Coding change: c.6617-2A>G on transcript NM_000138.5 (MANE Select); the canonical splice acceptor site of the intron before coding-DNA position 6617, A replaced by G.
Molecular consequence: splice acceptor variant.
Genome position (GRCh38, 1-based): chr15:48,432,990, T>C on the plus strand (A>G on the coding strand, the complement: FBN1 is on the minus strand). VCF-style: chr15-48432990-T-C. GRCh37 (hg19) VCF-style: chr15-48725187-T-C.
Other names: c.6617-2A>G (NM_001406716.1).
Identifiers: ClinVar variation 2941011 (VCV002941011.4), dbSNP rs1597522588, ClinGen allele CA392333761.